The following is an entry in ClinVar:

NM_001354870.1(MYC):c.-772G>A

Genes: MYC (MYC proto-oncogene, bHLH transcription factor; plus strand), LOC106867047 (origin of replication upstream of MYC; plus strand). Cytogenetic location: 8q24.21.
Variant type: single nucleotide variant.
Coding change: c.-772G>A on transcript NM_001354870.1; 772 bases upstream of the start codon, G replaced by A.
Molecular consequence: 5 prime UTR variant.
Genome position (GRCh38, 1-based): chr8:127,735,822, G>A. VCF-style: chr8-127735822-G-A. GRCh37 (hg19) VCF-style: chr8-128748068-G-A.
Identifiers: ClinVar variation 3770573 (VCV003770573.13).

ClinVar aggregate classification (germline): Likely benign (1 of 4 stars; one submission).

gnomAD v4.1: 2,177 of 399,132 alleles (0.55%); highest among the groups gnomAD compares: Non-Finnish European, 0.8%; 13 homozygotes.

Submission:

CeGaT Center for Human Genetics Tuebingen
Classification: Likely benign. Last evaluated: 2025-01-01. Review status: criteria provided, single submitter. Criteria: CeGaT Center For Human Genetics Tuebingen Variant Classification Criteria Version 2. Collection method: clinical testing. Allele origin: germline. Affected: yes. Observed: 1 variant allele.
Comment: MYC: BS2